The following is an entry in ClinVar:

NM_000260.4(MYO7A):c.3829del (p.Ala1277fs)

Gene: MYO7A (myosin VIIA; plus strand). Cytogenetic location: 11q13.5.
Variant type: Deletion.
Coding change: c.3829del on transcript NM_000260.4 (MANE Select); coding-DNA position 3829, one base deleted (G; older notation c.3829delG).
Protein change: p.Ala1277fs; shifts the reading frame from alanine 1277.
Molecular consequence: frameshift variant.
Genome position (GRCh38, 1-based): chr11:77,190,775, G deleted; the last of 2 consecutive G bases (chr11:77,190,774-77,190,775); deleting either gives the same sequence. VCF-style (leftmost placement, unchanged base first): chr11-77190773-CG-C. GRCh37 (hg19) VCF-style: chr11-76901818-CG-C.
Other names: c.3829del, p.Ala1277fs (NM_001127180.2); c.3796del, p.Ala1266fs (NM_001369365.1); short protein forms A1277fs, A1266fs.
Identifiers: ClinVar variation 1393609 (VCV001393609.8), dbSNP rs2135562294, ClinGen allele CA2573147745.

ClinVar aggregate classification (germline): Pathogenic/Likely pathogenic. Review status: criteria provided, multiple submitters, no conflicts (2 of 4 stars). 3 submissions from 3 submitters: Pathogenic (1); Likely pathogenic (2). Last evaluated 2023-12-29.

Conditions:
MYO7A-related disorder. Also called: MYO7A-related disorders.
Usher syndrome type 1 (USH1). Also called: RETINITIS PIGMENTOSA AND CONGENITAL DEAFNESS. Identifiers: Orphanet 231169, Orphanet 886, MedGen C1568247, MONDO:0010168, OMIM 276900.
Autosomal dominant nonsyndromic hearing loss 11. Identifiers: Orphanet 90635, MedGen C1832475, MONDO:0011032, OMIM 601317.
Autosomal recessive nonsyndromic hearing loss 2. Also called: DEAFNESS, AUTOSOMAL RECESSIVE 2; NEUROSENSORY NONSYNDROMIC RECESSIVE DEAFNESS 2. Identifiers: Orphanet 90636, MedGen C1838701, MONDO:0010807, OMIM 600060.

Submissions (3):

Fulgent Genetics
Classification: Likely pathogenic for Usher syndrome type 1; Autosomal recessive nonsyndromic hearing loss 2; Autosomal dominant nonsyndromic hearing loss 11. Last evaluated: 2023-12-29. Review status: criteria provided, single submitter. Criteria: ACMG Guidelines, 2015. Collection method: clinical testing. Allele origin: germline.

Labcorp Genetics (formerly Invitae), Labcorp
Classification: Pathogenic. Last evaluated: 2021-08-12. Review status: criteria provided, single submitter. Criteria: Invitae Variant Classification Sherloc (09022015). Collection method: clinical testing. Allele origin: germline.
Comment: This sequence change creates a premature translational stop signal (p.Ala1277Glnfs*122) in the MYO7A gene. It is expected to result in an absent or disrupted protein product. Loss-of-function variants in MYO7A are known to be pathogenic (PMID: 8900236, 25404053). This variant is not present in population databases (ExAC no frequency). This variant has not been reported in the literature in individuals affected with MYO7A-related conditions. For these reasons, this variant has been classified as Pathogenic.

Blueprint Genetics
Classification: Likely pathogenic for MYO7A-related disorders. Last evaluated: 2017-05-16. Review status: criteria provided, single submitter. Criteria: ACMG Guidelines, 2015. Collection method: clinical testing. Allele origin: germline. Affected: yes. Observed: 1 variant allele.

Literature cited by the submitters: PubMed 8900236 (cited by Labcorp Genetics (formerly Invitae), Labcorp); PubMed 25404053 (cited by Labcorp Genetics (formerly Invitae), Labcorp).